The following is an entry in ClinVar:

NM_001365951.3(KIF1B):c.4589T>C (p.Leu1530Ser)

Gene: KIF1B (kinesin family member 1B; plus strand). Cytogenetic location: 1p36.22.
Variant type: single nucleotide variant.
Coding change: c.4589T>C on transcript NM_001365951.3 (MANE Select); coding-DNA position 4589, T replaced by C.
Protein change: p.Leu1530Ser; replaces leucine 1530 with serine.
Molecular consequence: missense variant.
Genome position (GRCh38, 1-based): chr1:10,365,485, T>C. VCF-style: chr1-10365485-T-C. GRCh37 (hg19) VCF-style: chr1-10425543-T-C.
Other names: c.4589T>C, p.Leu1530Ser (NM_001365952.1); c.4451T>C, p.Leu1484Ser (NM_015074.3); short protein forms L1530S, L1484S.
Identifiers: ClinVar variation 4092338 (VCV004092338.1).

ClinVar aggregate classification (germline): Uncertain significance (1 of 4 stars; one submission).

gnomAD v4.1: 1 of 1,614,174 alleles (0.000062%); no homozygotes.

Submission:

Ambry Genetics
Classification: Uncertain significance. Last evaluated: 2025-07-07. Review status: criteria provided, single submitter. Criteria: Ambry Variant Classification Scheme 2023. Collection method: clinical testing. Allele origin: germline.
Comment: The p.L1484S variant (also known as c.4451T>C), located in coding exon 40 of the KIF1B gene, results from a T to C substitution at nucleotide position 4451. The leucine at codon 1484 is replaced by serine, an amino acid with dissimilar properties. This amino acid position is conserved. In addition, the in silico prediction for this alteration is inconclusive. Based on the available evidence, the clinical significance of this variant remains unclear.